The following is an entry in ClinVar:

NM_003001.5(SDHC):c.25G>C (p.Val9Leu)

Gene: SDHC (succinate dehydrogenase complex subunit C; plus strand). Cytogenetic location: 1q23.3.
Variant type: single nucleotide variant.
Coding change: c.25G>C on transcript NM_003001.5 (MANE Select); coding-DNA position 25, G replaced by C.
Protein change: p.Val9Leu; replaces valine 9 with leucine.
Molecular consequence: missense variant. On other transcripts: 5 prime UTR variant (2), non-coding transcript variant (1), intron variant (4).
Genome position (GRCh38, 1-based): chr1:161,323,618, G>C. VCF-style: chr1-161323618-G-C. GRCh37 (hg19) VCF-style: chr1-161293408-G-C.
Other names: c.25G>C, p.Val9Leu (NM_001035511.3, NM_001035512.3, NM_001278172.3 and 2 more transcripts); c.-87G>C (NM_001407119.1); c.-205G>C (NM_001407120.1); c.21-4778G>C (NM_001407116.1, NM_001407121.1, NM_001407117.1); c.20+9193G>C (NM_001035513.3); short protein forms V9L.
Identifiers: ClinVar variation 3223028 (VCV003223028.1), dbSNP rs774768866, ClinGen allele CA343359286.

ClinVar aggregate classification (germline): Uncertain significance (1 of 4 stars; one submission).

Conditions:
Hereditary cancer-predisposing syndrome. Also called: Tumor predisposition; Hereditary neoplastic syndrome; Hereditary Cancer Syndrome; Neoplastic Syndromes, Hereditary. Identifiers: Orphanet 140162, MedGen C0027672, MeSH D009386, MONDO:0015356.

Submission:

Ambry Genetics
Classification: Uncertain significance for Hereditary cancer-predisposing syndrome. Last evaluated: 2024-02-29. Review status: criteria provided, single submitter. Criteria: Ambry Variant Classification Scheme 2023. Collection method: clinical testing. Allele origin: germline.
Comment: The p.V9L variant (also known as c.25G>C), located in coding exon 2 of the SDHC gene, results from a G to C substitution at nucleotide position 25. The valine at codon 9 is replaced by leucine, an amino acid with highly similar properties. This amino acid position is conserved. In addition, the in silico prediction for this alteration is inconclusive. Based on the available evidence, the clinical significance of this alteration remains unclear.